The following is an entry in ClinVar:

NM_006019.4(TCIRG1):c.1289A>G (p.Lys430Arg)

Gene: TCIRG1 (T cell immune regulator 1, ATPase H+ transporting V0 subunit a3; plus strand). Cytogenetic location: 11q13.2.
Variant type: single nucleotide variant.
Coding change: c.1289A>G on transcript NM_006019.4 (MANE Select); coding-DNA position 1289, A replaced by G.
Protein change: p.Lys430Arg; replaces lysine 430 with arginine.
Molecular consequence: missense variant.
Genome position (GRCh38, 1-based): chr11:68,047,556, A>G. VCF-style: chr11-68047556-A-G. GRCh37 (hg19) VCF-style: chr11-67815023-A-G.
Other names: c.395A>G, p.Lys132Arg (NM_001351059.2); c.641A>G, p.Lys214Arg (NM_006053.4); short protein forms K132R, K430R, K214R.
Identifiers: ClinVar variation 3679131 (VCV003679131.2).

ClinVar aggregate classification (germline): Uncertain significance (1 of 4 stars; one submission).

Submission:

Labcorp Genetics (formerly Invitae), Labcorp
Classification: Uncertain significance. Last evaluated: 2024-04-30. Review status: criteria provided, single submitter. Criteria: Invitae Variant Classification Sherloc (09022015). Collection method: clinical testing. Allele origin: germline.
Comment: This sequence change replaces lysine, which is basic and polar, with arginine, which is basic and polar, at codon 430 of the TCIRG1 protein (p.Lys430Arg). This variant is not present in population databases (gnomAD no frequency). This variant has not been reported in the literature in individuals affected with TCIRG1-related conditions. Advanced modeling of protein sequence and biophysical properties (such as structural, functional, and spatial information, amino acid conservation, physicochemical variation, residue mobility, and thermodynamic stability) performed at Invitae indicates that this missense variant is not expected to disrupt TCIRG1 protein function with a negative predictive value of 80%. In summary, the available evidence is currently insufficient to determine the role of this variant in disease. Therefore, it has been classified as a Variant of Uncertain Significance.